The following is an entry in ClinVar:

NM_001082486.2(ACD):c.902C>A (p.Ser301Tyr)

Gene: ACD (ACD shelterin complex subunit and telomerase recruitment factor; minus strand). Cytogenetic location: 16q22.1.
Variant type: single nucleotide variant.
Coding change: c.902C>A on transcript NM_001082486.2 (MANE Select); coding-DNA position 902, C replaced by A.
Protein change: p.Ser301Tyr; replaces serine 301 with tyrosine.
Molecular consequence: missense variant.
Genome position (GRCh38, 1-based): chr16:67,658,290, G>T on the plus strand (C>A on the coding strand, the complement: ACD is on the minus strand). VCF-style: chr16-67658290-G-T. GRCh37 (hg19) VCF-style: chr16-67692193-G-T.
Other names: c.815C>A, p.Ser272Tyr (NM_001410884.1); c.893C>A, p.Ser298Tyr (NM_022914.3); short protein forms S298Y, S301Y, S272Y.
Identifiers: ClinVar variation 1736579 (VCV001736579.5), dbSNP rs532542932, ClinGen allele CA396352833.

ClinVar aggregate classification (germline): Uncertain significance. Review status: criteria provided, multiple submitters, no conflicts (2 of 4 stars). 2 submissions from 2 submitters: Uncertain significance (2). Last evaluated 2022-11-27.

Conditions:
Inborn genetic diseases. Identifiers: MedGen C0950123, MeSH D030342.
Dyskeratosis congenita, autosomal dominant 6 (DKCA6). Identifiers: Orphanet 3322, MedGen C4225284, MONDO:0014690, OMIM 616553.

gnomAD v4.1: 3 of 1,613,862 alleles (0.00019%); highest among the groups gnomAD compares: South Asian, 0.0022%; no homozygotes.

Submissions (2):

Labcorp Genetics (formerly Invitae), Labcorp
Classification: Uncertain significance for Dyskeratosis congenita, autosomal dominant 6. Last evaluated: 2022-11-27. Review status: criteria provided, single submitter. Criteria: Invitae Variant Classification Sherloc (09022015). Collection method: clinical testing. Allele origin: germline.
Comment: In summary, the available evidence is currently insufficient to determine the role of this variant in disease. Therefore, it has been classified as a Variant of Uncertain Significance. Advanced modeling of protein sequence and biophysical properties (such as structural, functional, and spatial information, amino acid conservation, physicochemical variation, residue mobility, and thermodynamic stability) performed at Invitae indicates that this missense variant is expected to disrupt ACD protein function. This sequence change replaces serine, which is neutral and polar, with tyrosine, which is neutral and polar, at codon 387 of the ACD protein (p.Ser387Tyr). This variant is not present in population databases (gnomAD no frequency). This variant has not been reported in the literature in individuals affected with ACD-related conditions.

Ambry Genetics
Classification: Uncertain significance for Inborn genetic diseases. Last evaluated: 2021-07-31. Review status: criteria provided, single submitter. Criteria: Ambry Variant Classification Scheme 2023. Collection method: clinical testing. Allele origin: germline.
Comment: The p.S387Y variant (also known as c.1160C>A), located in coding exon 10 of the ACD gene, results from a C to A substitution at nucleotide position 1160. The serine at codon 387 is replaced by tyrosine, an amino acid with dissimilar properties. This amino acid position is conserved. In addition, this alteration is predicted to be tolerated by in silico analysis. Since supporting evidence is limited at this time, the clinical significance of this alteration remains unclear.